The following is an entry in ClinVar:

NM_002303.6(LEPR):c.3337A>G (p.Ile1113Val)

Gene: LEPR (leptin receptor; plus strand). Cytogenetic location: 1p31.3.
Variant type: single nucleotide variant.
Coding change: c.3337A>G on transcript NM_002303.6 (MANE Select); coding-DNA position 3337, A replaced by G.
Protein change: p.Ile1113Val; replaces isoleucine 1113 with valine.
Molecular consequence: missense variant.
Genome position (GRCh38, 1-based): chr1:65,636,854, A>G. VCF-style: chr1-65636854-A-G. GRCh37 (hg19) VCF-style: chr1-66102537-A-G.
Other names: short protein forms I1113V.
Identifiers: ClinVar variation 3353532 (VCV003353532.1).
Genomic context (GRCh38, chr1:65,636,854, plus strand): 5'-CTTTTGACTGACAAGTCAAGGGTATCGTGCCCATTCCCAGCCCCCTGTTTATTCACGGAC[A>G]TCAGAGTTCTCCAGGACAGTTGCTCACACTTTGTAGAAAATAATATCAACTTAGGAACTT-3'
Protein context (NP_002294.2, residues 1103-1123): PFPAPCLFTD[Ile1113Val]RVLQDSCSHF

ClinVar aggregate classification (germline): Uncertain significance (0 of 4 stars; one submission).

Conditions:
LEPR-related disorder. Also called: LEPR-related condition; LEPR-related disorders.

gnomAD v4.1: 1 of 1,612,102 alleles (0.000062%); highest among the groups gnomAD compares: Admixed American, 0.0017%; no homozygotes.

Submission:

PreventionGenetics, part of Exact Sciences
Classification: Uncertain significance for LEPR-related condition. Last evaluated: 2024-01-03. Review status: no assertion criteria provided. Collection method: clinical testing. Allele origin: germline.
Comment: The LEPR c.3337A>G variant is predicted to result in the amino acid substitution p.Ile1113Val. To our knowledge, this variant has not been reported in the literature. This variant is reported in 0.0029% of alleles in individuals of Latino descent in gnomAD. At this time, the clinical significance of this variant is uncertain due to the absence of conclusive functional and genetic evidence.